The following is an entry in ClinVar:

ClinVar aggregate classification (germline): Pathogenic/Likely pathogenic. Review status: criteria provided, multiple submitters, no conflicts (2 of 4 stars). 2 submissions from 2 submitters: Pathogenic (1); Likely pathogenic (1). Last evaluated 2022-02-21.

Conditions:
Neurofibromatosis, type 1 (NF1). Also called: VON RECKLINGHAUSEN DISEASE; NEUROFIBROMATOSIS, TYPE I, SOMATIC; Peripheral type neurofibromatosis; Neurofibromatosis, type I. Identifiers: Orphanet 636, MedGen C0027831, MONDO:0018975, OMIM 162200. Disease mechanism: loss of function.

Submissions (2):

Labcorp Genetics (formerly Invitae), Labcorp
Classification: Pathogenic for Neurofibromatosis, type 1. Last evaluated: 2022-02-21. Review status: criteria provided, single submitter. Criteria: Invitae Variant Classification Sherloc (09022015). Collection method: clinical testing. Allele origin: germline.
Comment: This sequence change creates a premature translational stop signal (p.Ser942Alafs*12) in the NF1 gene. It is expected to result in an absent or disrupted protein product. Loss-of-function variants in NF1 are known to be pathogenic (PMID: 10712197, 23913538). This variant is not present in population databases (gnomAD no frequency). This variant has not been reported in the literature in individuals affected with NF1-related conditions. ClinVar contains an entry for this variant (Variation ID: 975864). For these reasons, this variant has been classified as Pathogenic.

Institute of Human Genetics, University of Leipzig Medical Center
Classification: Likely pathogenic for Neurofibromatosis, type 1. Last evaluated: 2019-01-18. Review status: criteria provided, single submitter. Criteria: ACMG Guidelines, 2015. Collection method: clinical testing. Allele origin: germline. Affected: yes. Observed: 1 variant allele.

Literature cited by the submitters: PubMed 10712197 (cited by Labcorp Genetics (formerly Invitae), Labcorp); PubMed 23913538 (cited by Labcorp Genetics (formerly Invitae), Labcorp).

NM_001042492.3(NF1):c.2823del (p.Ser942fs)

Gene: NF1 (neurofibromin 1; plus strand). Cytogenetic location: 17q11.2.
Variant type: Deletion.
Coding change: c.2823del on transcript NM_001042492.3 (MANE Select); coding-DNA position 2823, one base deleted (C; older notation c.2823delC).
Protein change: p.Ser942fs; shifts the reading frame from serine 942.
Molecular consequence: frameshift variant.
Genome position (GRCh38, 1-based): chr17:31,229,438, C deleted. VCF-style (leftmost placement, unchanged base first): chr17-31229437-TC-T. GRCh37 (hg19) VCF-style: chr17-29556455-TC-T.
Other names: c.2823delC, p.Ser942Alafs (NM_000267.4); short protein forms S942fs.
Identifiers: ClinVar variation 975864 (VCV000975864.6), dbSNP rs2067074423, ClinGen allele CA1139665439.